The following is an entry in ClinVar:

NM_000257.4(MYH7):c.3105_3116del (p.Gly1036_Glu1039del)

Gene: MYH7 (myosin heavy chain 7; minus strand). Cytogenetic location: 14q11.2.
Variant type: Deletion.
Coding change: c.3105_3116del on transcript NM_000257.4 (MANE Select); coding-DNA positions 3105 to 3116, 12 bases deleted (AGGATCCCTGGA).
Protein change: p.Gly1036_Glu1039del.
Molecular consequence: inframe deletion.
Genome position (GRCh38, 1-based): chr14:23,422,309-23,422,320, TCCAGGGATCCT deleted on the plus strand (AGGATCCCTGGA on the coding strand, the reverse complement: MYH7 is on the minus strand); deleting any 12 consecutive bases within chr14:23,422,309-23,422,325 gives the same sequence; the c. name uses the placement nearest the transcript's 3' end. VCF-style (leftmost placement, unchanged base first): chr14-23422308-CTCCAGGGATCCT-C. GRCh37 (hg19) VCF-style: chr14-23891517-CTCCAGGGATCCT-C.
Identifiers: ClinVar variation 934193 (VCV000934193.9), dbSNP rs1892506869, ClinGen allele CA1139663386.

ClinVar aggregate classification (germline): Uncertain significance (1 of 4 stars; one submission).

Conditions:
Hypertrophic cardiomyopathy. Also called: HYPERTROPHIC MYOCARDIOPATHY. Identifiers: Orphanet 217569, MedGen C0007194, MeSH D002312, MONDO:0005045, HP:0001639.

Submission:

Labcorp Genetics (formerly Invitae), Labcorp
Classification: Uncertain significance for Hypertrophic cardiomyopathy. Last evaluated: 2022-10-04. Review status: criteria provided, single submitter. Criteria: Invitae Variant Classification Sherloc (09022015). Collection method: clinical testing. Allele origin: germline.
Comment: In summary, the available evidence is currently insufficient to determine the role of this variant in disease. Therefore, it has been classified as a Variant of Uncertain Significance. Experimental studies and prediction algorithms are not available or were not evaluated, and the functional significance of this variant is currently unknown. ClinVar contains an entry for this variant (Variation ID: 934193). This variant has not been reported in the literature in individuals affected with MYH7-related conditions. This variant is not present in population databases (gnomAD no frequency). This variant, c.3105_3116del, results in the deletion of 4 amino acid(s) of the MYH7 protein (p.Gly1036_Glu1039del), but otherwise preserves the integrity of the reading frame.